The following is an entry in ClinVar:

ClinVar aggregate classification (germline): Pathogenic/Likely pathogenic. Review status: criteria provided, multiple submitters, no conflicts (2 of 4 stars). 7 submissions from 7 submitters: Pathogenic (6); Likely pathogenic (1). Last evaluated 2025-08-29.

Conditions:
Hypophosphatasia. Also called: Phosphoethanol-aminuria. Identifiers: Orphanet 436, MedGen C0020630, MeSH D007014, MONDO:0018570.
Adult hypophosphatasia. Identifiers: Orphanet 247676, Orphanet 436, MedGen C0268413, MONDO:1010154, OMIM 146300, MONDO:0007798.
Inborn genetic diseases. Identifiers: MedGen C0950123, MeSH D030342.

Allele frequency attached by ClinVar (database versions not stated): gnomAD 0.00001; gnomAD exomes 0.00001; TOPMed 0.00001.
gnomAD v4.1: 22 of 1,613,908 alleles (0.0014%); highest among the groups gnomAD compares: Non-Finnish European, 0.0019%; no homozygotes.

Submissions (8):

Genomenon, Inc
Classification: Pathogenic for Hypophosphatasia. Last evaluated: 2025-08-29. Review status: criteria provided, single submitter. Criteria: Genomenon Sequence Variant Interpretation Standards. Collection method: curation. Allele origin: germline. Affected: yes.
Comment: ALPL c.997+2T>A is a canonical splice variant located in the donor splice region of intron 9. This variant has been observed in at least one proband affected with hypophosphatasia (PMID:36361766;32973344;29236161;36514157;10679946;17253930). It is absent or not present at a significant frequency in gnomAD. In conclusion, we classify ALPL c.997+2T>A as a pathogenic variant.

Natera, Inc.
Classification: Pathogenic for Hypophosphatasia. Last evaluated: 2025-06-01. Review status: criteria provided, single submitter. Criteria: Natera Variant Classification Schema (03/2026). Collection method: clinical testing. Allele origin: germline.
Comment: The c.997+2T>A variant in ALPL is a canonical splice donor site variant predicted to affect pre-mRNA splicing, which may result in an abnormal transcript and altered protein product. This variant is expected to result in nonsense mediated decay, truncation, or a dysfunctional protein product. This variant is rare in the general population with a frequency below the threshold expected for the associated phenotype(s). This variant has been observed in one or more individuals affected with the associated recessive disease, as either homozygous or compound heterozygous with a second variant (PMID: 32973344). Given the available evidence, this variant is classified as Pathogenic.

Labcorp Genetics (formerly Invitae), Labcorp
Classification: Pathogenic. Last evaluated: 2025-05-05. Review status: criteria provided, single submitter. Criteria: Invitae Variant Classification Sherloc (09022015). Collection method: clinical testing. Allele origin: germline.
Comment: This sequence change affects a donor splice site in intron 9 of the ALPL gene. It is expected to disrupt RNA splicing. Variants that disrupt the donor or acceptor splice site typically lead to a loss of protein function (PMID: 16199547), and loss-of-function variants in ALPL are known to be pathogenic (PMID: 3174660, 10679946, 32973344, 33814268). This variant is not present in population databases (gnomAD no frequency). Disruption of this splice site has been observed in individuals with hypophosphatasia (PMID: 10679946, 15694177, 20924064, 23791648). ClinVar contains an entry for this variant (Variation ID: 930227). Algorithms developed to predict the effect of sequence changes on RNA splicing suggest that this variant may disrupt the consensus splice site. For these reasons, this variant has been classified as Pathogenic.

Baylor Genetics
Classification: Pathogenic for Adult hypophosphatasia. Last evaluated: 2024-02-20. Review status: criteria provided, single submitter. Criteria: ACMG Guidelines, 2015. Collection method: clinical testing. Allele origin: unknown.

Ambry Genetics
Classification: Pathogenic for Inborn genetic diseases. Last evaluated: 2022-03-04. Review status: criteria provided, single submitter. Criteria: Ambry Variant Classification Scheme 2023. Collection method: clinical testing. Allele origin: germline.
Comment: The c.997+2T>A intronic variant results from a T to A substitution two nucleotides after exon 9 (coding exon 8) of the ALPL gene. Alterations that disrupt the canonical splice site are expected to cause aberrant splicing, resulting in an abnormal protein or a transcript that is subject to nonsense-mediated mRNA decay. Based on the available evidence, the c.997+2T>A alteration is pathogenic for autosomal recessive hypophosphatasia; however, its clinical significance for autosomal dominant hypophosphatasia is unclear. This variant was not reported in population-based cohorts in the Genome Aggregation Database (gnomAD). This alteration has been reported in the homozygous and compound heterozygous state in individuals with hypophosphatasia (Taillandier, 2000; Brun-Heath, 2005). Other alterations impacting the same donor site (c.997+1G>T and c.997+2T>G) have been detected in individuals with hypophosphatasia (Brun-Heath, 2005; Simon-Bouy, 2008; Liu, 2010). In silico splice site analysis predicts that this alteration will weaken the native splice donor site. Based on the available evidence, this alteration is classified as pathogenic.

Women's Health and Genetics/Laboratory Corporation of America, LabCorp
Classification: Pathogenic for Hypophosphatasia. Last evaluated: 2021-10-24. Review status: criteria provided, single submitter. Criteria: LabCorp Variant Classification Summary - May 2015. Collection method: clinical testing. Allele origin: germline.
Comment: Variant summary: ALPL c.997+2T>A is located in a canonical splice-site and is predicted to affect mRNA splicing resulting in a significantly altered protein due to either exon skipping, shortening, or inclusion of intronic material. Several computational tools predict a significant impact on normal splicing: Four predict the variant abolishes the canonical 5' splicing donor site. However, these predictions have yet to be confirmed by functional studies. The variant was absent in 250984 control chromosomes. c.997+2T>A has been widely reported in the literature as a compound heterozygous genotype in individuals affected with Hypophosphatasia (example, Taillandier_2000, Del Angel_2020). To our knowledge, no experimental evidence demonstrating an impact on protein function has been reported. Two clinical diagnostic laboratories have submitted clinical-significance assessments for this variant to ClinVar after 2014 without evidence for independent evaluation. All laboratories classified the variant as pathogenic/likely pathogenic. Based on the evidence outlined above, the variant was classified as pathogenic.

Centre for Mendelian Genomics, University Medical Centre Ljubljana
Classification: Likely pathogenic for Adult hypophosphatasia. Last evaluated: 2020-03-14. Review status: criteria provided, single submitter. Criteria: ACMG Guidelines, 2015. Collection method: clinical testing. Allele origin: unknown. Affected: yes.
Comment: This variant was classified as: Likely pathogenic. The following ACMG criteria were applied in classifying this variant: PVS1,PM2.

Dr. Peter K. Rogan Lab, Western University
No classification provided (evidence only). Condition: Ovarian serous cystadenocarcinoma. Review status: no classification provided. Collection method: in vitro. Allele origin: not applicable. Functional consequence: skipped exon, retained intron. Not counted in ClinVar's aggregate classification.

Literature cited by the submitters: PubMed 36361766 (cited by Genomenon, Inc); PubMed 32973344 (cited by 3 submitters); PubMed 29236161 (cited by Genomenon, Inc); PubMed 36514157 (cited by Genomenon, Inc); PubMed 10679946 (cited by 4 submitters); PubMed 17253930 (cited by Genomenon, Inc); PubMed 16199547 (cited by Labcorp Genetics (formerly Invitae), Labcorp); PubMed 3174660 (cited by Labcorp Genetics (formerly Invitae), Labcorp); PubMed 33814268 (cited by Labcorp Genetics (formerly Invitae), Labcorp); PubMed 15694177 (cited by Labcorp Genetics (formerly Invitae), Labcorp and Ambry Genetics); PubMed 20924064 (cited by Labcorp Genetics (formerly Invitae), Labcorp and Ambry Genetics); PubMed 23791648 (cited by Labcorp Genetics (formerly Invitae), Labcorp); PubMed 18925618 (cited by Ambry Genetics); PubMed 32160374 (cited by Women's Health and Genetics/Laboratory Corporation of America, LabCorp).

NM_000478.6(ALPL):c.997+2T>A

Gene: ALPL (alkaline phosphatase, biomineralization associated; plus strand). Cytogenetic location: 1p36.12.
Variant type: single nucleotide variant.
Coding change: c.997+2T>A on transcript NM_000478.6 (MANE Select); the canonical splice donor site of the intron after coding-DNA position 997, T replaced by A.
Molecular consequence: splice donor variant.
Genome position (GRCh38, 1-based): chr1:21,573,801, T>A. VCF-style: chr1-21573801-T-A. GRCh37 (hg19) VCF-style: chr1-21900294-T-A.
Other names: c.997+2T>A (NM_001369805.2, NM_001369804.2, NM_001369803.2); c.832+2T>A (NM_001127501.4); c.766+2T>A (NM_001177520.3).
Identifiers: ClinVar variation 930227 (VCV000930227.21), dbSNP rs1057517391, ClinGen allele CA338880452.
Genomic context (GRCh38, chr1:21,573,801, plus strand): 5'-GGTGGTGGCCATCCAGATCCTGCGGAAGAACCCCAAAGGCTTCTTCTTGCTGGTGGAAGG[T>A]AGGGACCCCGGGTCTGCTGAGAGGGGGCTGCTGGAAACACGGCCCTGGTGTCAGGATGGA-3'